The following is an entry in ClinVar:

NM_001008537.3(NEXMIF):c.1119G>C (p.Trp373Cys)

Gene: NEXMIF (neurite extension and migration factor; minus strand). Cytogenetic location: Xq13.3.
Variant type: single nucleotide variant.
Coding change: c.1119G>C on transcript NM_001008537.3 (MANE Select); coding-DNA position 1119, G replaced by C.
Protein change: p.Trp373Cys; replaces tryptophan 373 with cysteine.
Molecular consequence: missense variant.
Genome position (GRCh38, 1-based): chrX:74,743,438, C>G on the plus strand (G>C on the coding strand, the complement: NEXMIF is on the minus strand). VCF-style: chrX-74743438-C-G. GRCh37 (hg19) VCF-style: chrX-73963273-C-G.
Other names: c.1119G>C (NM_001008537.1); short protein forms W373C.
Identifiers: ClinVar variation 863148 (VCV000863148.13), dbSNP rs780581302, ClinGen allele CA10455152.

ClinVar aggregate classification (germline): Conflicting classifications of pathogenicity. Review status: criteria provided, conflicting classifications (1 of 4 stars). 3 submissions from 3 submitters: Uncertain significance (2); Benign (1). Last evaluated 2025-11-03.

Allele frequency attached by ClinVar (database versions not stated): ExAC 0.00001; gnomAD 0.00003 and 0.00002; TOPMed 0.00001; gnomAD exomes 0.00001.
gnomAD v4.1: 8 of 1,209,444 alleles (0.00066%); highest among the groups gnomAD compares: Admixed American, 0.013%; no homozygotes.

Submissions (3):

Labcorp Genetics (formerly Invitae), Labcorp
Classification: Benign. Last evaluated: 2025-11-03. Review status: criteria provided, single submitter. Criteria: Invitae Variant Classification Sherloc (09022015). Collection method: clinical testing. Allele origin: germline.

Ambry Genetics
Classification: Uncertain significance. Last evaluated: 2025-04-07. Review status: criteria provided, single submitter. Criteria: Ambry Variant Classification Scheme 2023. Collection method: clinical testing. Allele origin: germline.

GeneDx
Classification: Uncertain significance. Last evaluated: 2023-03-22. Review status: criteria provided, single submitter. Criteria: GeneDx Variant Classification Process June 2021. Collection method: clinical testing. Allele origin: germline. Affected: yes.
Comment: In silico analysis supports that this missense variant has a deleterious effect on protein structure/function; Has not been previously published as pathogenic or benign to our knowledge